The following is an entry in ClinVar:

ClinVar aggregate classification (germline): Likely benign (1 of 4 stars; one submission).

Conditions:
PCNT-related disorder. Also called: PCNT-related condition.

gnomAD v4.1: 3 of 1,612,124 alleles (0.00019%); highest among the groups gnomAD compares: South Asian, 0.0033%; no homozygotes.

Submission:

PreventionGenetics, part of Exact Sciences
Classification: Likely benign for PCNT-related condition. Last evaluated: 2024-11-25. Review status: criteria provided, single submitter. Criteria: ACMG Guidelines, 2015. Collection method: clinical testing. Allele origin: germline.
Comment: This variant is classified as likely benign based on ACMG/AMP sequence variant interpretation guidelines (Richards et al. 2015 PMID: 25741868, with internal and published modifications).

NM_006031.6(PCNT):c.6645G>T (p.Pro2215=)

Gene: PCNT (pericentrin; plus strand). Cytogenetic location: 21q22.3.
Variant type: single nucleotide variant.
Coding change: c.6645G>T on transcript NM_006031.6 (MANE Select); coding-DNA position 6645, G replaced by T.
Protein change: p.Pro2215=; no amino-acid change (proline 2215 retained).
Molecular consequence: synonymous variant.
Genome position (GRCh38, 1-based): chr21:46,416,563, G>T. VCF-style: chr21-46416563-G-T. GRCh37 (hg19) VCF-style: chr21-47836477-G-T.
Other names: c.6291G>T, p.Pro2097= (NM_001315529.2).
Identifiers: ClinVar variation 4985467 (VCV004985467.1).